The following is an entry in ClinVar:

NM_014049.5(ACAD9):c.1150-192T>C

Gene: ACAD9 (acyl-CoA dehydrogenase family member 9; plus strand). Cytogenetic location: 3q21.3.
Variant type: single nucleotide variant.
Coding change: c.1150-192T>C on transcript NM_014049.5 (MANE Select); 192 bases into the intron before coding-DNA position 1150, T replaced by C.
Molecular consequence: intron variant.
Genome position (GRCh38, 1-based): chr3:128,905,929, T>C. VCF-style: chr3-128905929-T-C. GRCh37 (hg19) VCF-style: chr3-128624772-T-C.
Identifiers: ClinVar variation 677923 (VCV000677923.2), dbSNP rs2630252, ClinGen allele CA11420193.

ClinVar aggregate classification (germline): Benign. Review status: criteria provided, multiple submitters, no conflicts (2 of 4 stars). 2 submissions from 2 submitters: Benign (2). Last evaluated 2018-06-14.

Allele frequency attached by ClinVar (database versions not stated): gnomAD 0.23200 and 0.23682; TOPMed 0.24617; 1000 Genomes Project 30x 0.28826; 1000 Genomes Project 0.29673.
gnomAD v4.1: 35,890 of 151,804 alleles (24%); highest among the groups gnomAD compares: East Asian, 56%; 4,632 homozygotes.

Submissions (2):

GeneDx
Classification: Benign. Last evaluated: 2018-06-14. Review status: criteria provided, single submitter. Criteria: GeneDx Variant Classification (06012015). Collection method: clinical testing. Allele origin: germline. Affected: yes.
Comment: This variant is considered likely benign or benign based on one or more of the following criteria: it is a conservative change, it occurs at a poorly conserved position in the protein, it is predicted to be benign by multiple in silico algorithms, and/or has population frequency not consistent with disease.

Breakthrough Genomics
Classification: Benign. Review status: criteria provided, single submitter. Criteria: ACMG Guidelines, 2015. Collection method: not provided. Allele origin: germline. Inheritance: Autosomal recessive inheritance. Affected: yes.